The following is an entry in ClinVar:

NM_004415.4(DSP):c.778-2A>G

Gene: DSP (desmoplakin; plus strand). Cytogenetic location: 6p24.3.
Variant type: single nucleotide variant.
Coding change: c.778-2A>G on transcript NM_004415.4 (MANE Select); the canonical splice acceptor site of the intron before coding-DNA position 778, A replaced by G.
Molecular consequence: splice acceptor variant.
Genome position (GRCh38, 1-based): chr6:7,565,357, A>G. VCF-style: chr6-7565357-A-G. GRCh37 (hg19) VCF-style: chr6-7565590-A-G.
Other names: c.778-2A>G (NM_001319034.2, NM_001008844.3, NM_001406591.1).
Identifiers: ClinVar variation 581651 (VCV000581651.11), dbSNP rs113726158, ClinGen allele CA362673884.

ClinVar aggregate classification (germline): Likely pathogenic. Review status: criteria provided, multiple submitters, no conflicts (2 of 4 stars). 3 submissions from 3 submitters: Likely pathogenic (3). Last evaluated 2025-04-30.

Conditions:
Cardiovascular phenotype. Identifiers: MedGen CN230736.
Arrhythmogenic right ventricular dysplasia 8 (ARVD8). Also called: Arrhythmogenic Right Ventricular Dysplasia/Cardiomyopathy 8; ARRHYTHMOGENIC RIGHT VENTRICULAR DYSPLASIA, FAMILIAL, 8; ARRHYTHMOGENIC RIGHT VENTRICULAR CARDIOMYOPATHY 8. Identifiers: MedGen C1843896, MONDO:0011831, OMIM 607450.
Arrhythmogenic cardiomyopathy with wooly hair and keratoderma. Also called: Dilated cardiomyopathy with woolly hair and keratoderma; Arrhythmogenic cardiomyopathy with woolly hair and keratoderma; PALMOPLANTAR KERATODERMA WITH LEFT VENTRICULAR CARDIOMYOPATHY AND WOOLLY HAIR; Carvajal syndrome. Identifiers: Orphanet 65282, MedGen C1854063, MONDO:0011581, OMIM 605676.
Arrhythmogenic right ventricular cardiomyopathy (ARVD). Also called: Arrhythmogenic cardiomyopathy; Arrhythmogenic Right Ventricular Cardiomyopathy (ARVC); Cardiomyopathy, ARVC; Arrhythmogenic right ventricular dysplasia. Identifiers: Orphanet 247, MedGen C0349788, MeSH D019571, MONDO:0016587. Disease mechanism: loss of function. Inheritance: Various modes of inheritance.

Allele frequency attached by ClinVar (database versions not stated): gnomAD exomes below 0.00001.
gnomAD v4.1: 1 of 1,614,072 alleles (0.000062%); highest among the groups gnomAD compares: Non-Finnish European, 0.000085%; no homozygotes.

Submissions (3):

Ambry Genetics
Classification: Likely pathogenic for Cardiovascular phenotype. Last evaluated: 2025-04-30. Review status: criteria provided, single submitter. Criteria: Ambry Variant Classification Scheme 2023. Collection method: clinical testing. Allele origin: germline.
Comment: The c.778-2A>G intronic variant results from an A to G substitution two nucleotides upstream from coding exon 7 in the DSP gene. Alterations that disrupt the canonical splice site are expected to result in aberrant splicing. A resulting transcript is predicted to be in-frame and is not expected to trigger nonsense-mediated mRNA decay; although, direct evidence is unavailable. However, the impacted region is critical for protein function (Ambry internal data). This variant was not reported in population-based cohorts in the Genome Aggregation Database (gnomAD). This nucleotide position is highly conserved in available vertebrate species. In silico splice site analysis predicts that this alteration will weaken the native splice acceptor site and may result in the creation or strengthening of a novel splice acceptor site. Based on the available evidence, this alteration is classified as likely pathogenic.

Labcorp Genetics (formerly Invitae), Labcorp
Classification: Likely pathogenic for Arrhythmogenic cardiomyopathy with wooly hair and keratoderma; Arrhythmogenic right ventricular dysplasia 8. Last evaluated: 2023-07-06. Review status: criteria provided, single submitter. Criteria: Invitae Variant Classification Sherloc (09022015). Collection method: clinical testing. Allele origin: germline.
Comment: In summary, the currently available evidence indicates that the variant is pathogenic, but additional data are needed to prove that conclusively. Therefore, this variant has been classified as Likely Pathogenic. This sequence change affects an acceptor splice site in intron 6 of the DSP gene. It is expected to disrupt RNA splicing. Variants that disrupt the donor or acceptor splice site typically lead to a loss of protein function (PMID: 16199547), and loss-of-function variants in DSP are known to be pathogenic (PMID: 20716751, 24503780, 25227139). This variant is not present in population databases (gnomAD no frequency). This variant has not been reported in the literature in individuals affected with DSP-related conditions. ClinVar contains an entry for this variant (Variation ID: 581651). Algorithms developed to predict the effect of sequence changes on RNA splicing suggest that this variant may disrupt the consensus splice site.

Laboratory for Molecular Medicine, Mass General Brigham Personalized Medicine
Classification: Likely pathogenic for Arrhythmogenic right ventricular cardiomyopathy. Last evaluated: 2018-04-02. Review status: criteria provided, single submitter. Criteria: ACMG Guidelines, 2015. Collection method: clinical testing. Allele origin: germline. Inheritance: Autosomal dominant inheritance.
Comment: The c.778-2A>G variant in DSP has not been previously reported in individuals with cardiomyopathy and was absent from large population studies. This variant occurs in the invariant region (+/- 1,2) of the splice consensus sequence and is predicted to cause altered splicing leading to an abnormal or absent protein. Splice site and other loss of function variants in DSP have been reported in patients with ARVC. In summary, although additional studies are required to fully establish its clinical significance, the c.778-2A>G variant is likely pathogenic. ACMG criteria: PVS1; PM2.

Literature cited by the submitters: PubMed 16199547 (cited by Labcorp Genetics (formerly Invitae), Labcorp); PubMed 20716751 (cited by Labcorp Genetics (formerly Invitae), Labcorp); PubMed 24503780 (cited by Labcorp Genetics (formerly Invitae), Labcorp); PubMed 25227139 (cited by Labcorp Genetics (formerly Invitae), Labcorp).